The following is an entry in ClinVar:

ClinVar aggregate classification (germline): Likely benign. Review status: criteria provided, multiple submitters, no conflicts (2 of 4 stars). 2 submissions from 2 submitters: Likely benign (2). Last evaluated 2026-02-01.

Allele frequency attached by ClinVar (database versions not stated): ExAC 0.00008; gnomAD 0.00002; TOPMed 0.00002; gnomAD exomes 0.00006.
gnomAD v4.1: 133 of 1,614,022 alleles (0.0082%); highest among the groups gnomAD compares: Non-Finnish European, 0.01%; no homozygotes.

Submissions (2):

Labcorp Genetics (formerly Invitae), Labcorp
Classification: Likely benign. Last evaluated: 2026-02-01. Review status: criteria provided, single submitter. Criteria: Invitae Variant Classification Sherloc (09022015). Collection method: clinical testing. Allele origin: germline.

Mayo Clinic Laboratories, Mayo Clinic
Classification: Likely benign. Last evaluated: 2024-12-31. Review status: criteria provided, single submitter. Criteria: ACMG Guidelines, 2015. Collection method: clinical testing. Allele origin: germline. Observed: 1 variant allele.
Comment: BP4, BP7

NM_000285.4(PEPD):c.57G>A (p.Pro19=)

Gene: PEPD (peptidase D; minus strand). Cytogenetic location: 19q13.11.
Variant type: single nucleotide variant.
Coding change: c.57G>A on transcript NM_000285.4 (MANE Select); coding-DNA position 57, G replaced by A.
Protein change: p.Pro19=; no amino-acid change (proline 19 retained).
Molecular consequence: synonymous variant.
Genome position (GRCh38, 1-based): chr19:33,512,737, C>T on the plus strand (G>A on the coding strand, the complement: PEPD is on the minus strand). VCF-style: chr19-33512737-C-T. GRCh37 (hg19) VCF-style: chr19-34003643-C-T.
Other names: p.Pro19=; c.57G>A, p.Pro19= (NM_001166056.2, NM_001166057.2).
Identifiers: ClinVar variation 1093432 (VCV001093432.10), dbSNP rs759161136, ClinGen allele CA9364507.